The following is an entry in ClinVar:

ClinVar aggregate classification (germline): Benign/Likely benign. Review status: criteria provided, multiple submitters, no conflicts (2 of 4 stars). 4 submissions from 4 submitters: Benign (2); Likely benign (1). 1 of the submissions does not count toward it. Last evaluated 2026-01-31.

Conditions:
Heme oxygenase 1 deficiency (HMOX1D). Identifiers: Orphanet 562509, MedGen C1841651, MONDO:0013536, OMIM 614034.
COPD, severe early onset. Also called: Pulmonary disease, chronic obstructive, severe early-onset. Identifiers: MedGen C1847014, MONDO:0011751.
HMOX1-related disorder. Also called: HMOX1-related condition.

Allele frequency attached by ClinVar (database versions not stated): gnomAD exomes 0.00033 and 0.00102; ExAC 0.00114; gnomAD 0.00369 and 0.00399; 1000 Genomes Project 0.00379; TOPMed 0.00406; 1000 Genomes Project 30x 0.00437; ESP Exome Variant Server 0.00454.
gnomAD v4.1: 1,057 of 1,614,010 alleles (0.065%); highest among the groups gnomAD compares: African/African-American, 1.2%; 5 homozygotes.

Submissions (4):

Labcorp Genetics (formerly Invitae), Labcorp
Classification: Benign. Last evaluated: 2026-01-31. Review status: criteria provided, single submitter. Criteria: Invitae Variant Classification Sherloc (09022015). Collection method: clinical testing. Allele origin: germline.

Mayo Clinic Laboratories, Mayo Clinic
Classification: Benign. Last evaluated: 2024-04-02. Review status: criteria provided, single submitter. Criteria: ACMG Guidelines, 2015. Collection method: clinical testing. Allele origin: germline. Observed: 7 variant alleles.
Comment: BS2, BP4, BP7

Fulgent Genetics
Classification: Likely benign for Chronic obstructive pulmonary disease; Heme oxygenase 1 deficiency. Last evaluated: 2021-12-23. Review status: criteria provided, single submitter. Criteria: ACMG Guidelines, 2015. Collection method: clinical testing. Allele origin: unknown.

PreventionGenetics, part of Exact Sciences
Classification: Likely benign for HMOX1-related condition. Last evaluated: 2024-08-14. Review status: no assertion criteria provided. Collection method: clinical testing. Allele origin: germline. Not counted in ClinVar's aggregate classification.
Comment: This variant is classified as likely benign based on ACMG/AMP sequence variant interpretation guidelines (Richards et al. 2015 PMID: 25741868, with internal and published modifications).

NM_002133.3(HMOX1):c.378C>T (p.Pro126=)

Gene: HMOX1 (heme oxygenase 1; plus strand). Cytogenetic location: 22q12.3.
Variant type: single nucleotide variant.
Coding change: c.378C>T on transcript NM_002133.3 (MANE Select); coding-DNA position 378, C replaced by T.
Protein change: p.Pro126=; no amino-acid change (proline 126 retained).
Molecular consequence: synonymous variant.
Genome position (GRCh38, 1-based): chr22:35,386,918, C>T. VCF-style: chr22-35386918-C-T. GRCh37 (hg19) VCF-style: chr22-35782911-C-T.
Other names: p.Pro126=; c.378C>T (NM_002133.2).
Identifiers: ClinVar variation 1617610 (VCV001617610.11), dbSNP rs73885946, ClinGen allele CA10204711.